The following is an entry in ClinVar:

ClinVar aggregate classification (germline): Uncertain significance (1 of 4 stars; one submission).

Conditions:
Hereditary cancer-predisposing syndrome. Also called: Neoplastic Syndromes, Hereditary; Tumor predisposition; Hereditary Cancer Syndrome; Hereditary neoplastic syndrome. Identifiers: Orphanet 140162, MedGen C0027672, MeSH D009386, MONDO:0015356.

Submission:

Ambry Genetics
Classification: Uncertain significance for Hereditary cancer-predisposing syndrome. Last evaluated: 2025-09-26. Review status: criteria provided, single submitter. Criteria: Ambry Variant Classification Scheme 2023. Collection method: clinical testing. Allele origin: germline.
Comment: The p.Q56E variant (also known as c.166C>G), located in coding exon 2 of the MITF gene, results from a C to G substitution at nucleotide position 166. The glutamine at codon 56 is replaced by glutamic acid, an amino acid with highly similar properties. This amino acid position is conserved. In addition, the in silico prediction for this alteration is inconclusive. Based on the available evidence, the clinical significance of this variant remains unclear.

NM_001354604.2(MITF):c.487C>G (p.Gln163Glu)

Gene: MITF (melanocyte inducing transcription factor; plus strand). Cytogenetic location: 3p13.
Variant type: single nucleotide variant.
Coding change: c.487C>G on transcript NM_001354604.2 (MANE Select); coding-DNA position 487, C replaced by G.
Protein change: p.Gln163Glu; replaces glutamine 163 with glutamic acid.
Molecular consequence: missense variant. On other transcripts: intron variant (1).
Genome position (GRCh38, 1-based): chr3:69,937,954, C>G. VCF-style: chr3-69937954-C-G. GRCh37 (hg19) VCF-style: chr3-69987105-C-G.
Other names: c.166C>G, p.Gln56Glu (NM_000248.4, NM_001184968.2, NM_198158.3); c.331C>G, p.Gln111Glu (NM_001184967.2, NM_001354608.2); c.484C>G, p.Gln162Glu (NM_001354605.2, NM_001354606.2, NM_006722.3); c.436C>G, p.Gln146Glu (NM_001354607.2); c.487C>G, p.Gln163Glu (NM_198159.3); c.439C>G, p.Gln147Glu (NM_198177.3); c.93+73C>G (NM_198178.3); short protein forms Q162E, Q146E, Q147E, Q163E, Q111E, Q56E.
Identifiers: ClinVar variation 4648515 (VCV004648515.1).